The following is an entry in ClinVar:

NM_020066.5(FMN2):c.3108T>A (p.Leu1036=)

Gene: FMN2 (formin 2; plus strand). Cytogenetic location: 1q43.
Variant type: single nucleotide variant.
Coding change: c.3108T>A on transcript NM_020066.5 (MANE Select); coding-DNA position 3108, T replaced by A.
Protein change: p.Leu1036=; no amino-acid change (leucine 1036 retained).
Molecular consequence: synonymous variant. On other transcripts: intron variant (1).
Genome position (GRCh38, 1-based): chr1:240,207,920, T>A. VCF-style: chr1-240207920-T-A. GRCh37 (hg19) VCF-style: chr1-240371220-T-A.
Other names: c.3120T>A, p.Leu1040= (NM_001305424.2); c.1986+19658T>A (NM_001348094.2).
Identifiers: ClinVar variation 2640163 (VCV002640163.24), dbSNP rs1161259832, ClinGen allele CA424385476.

ClinVar aggregate classification (germline): Likely benign (1 of 4 stars; one submission).

Submission:

CeGaT Center for Human Genetics Tuebingen
Classification: Likely benign. Last evaluated: 2024-02-01. Review status: criteria provided, single submitter. Criteria: CeGaT Center For Human Genetics Tuebingen Variant Classification Criteria Version 2. Collection method: clinical testing. Allele origin: germline. Affected: yes. Observed: 2 variant alleles.
Comment: FMN2: BP4, BP7